The following is an entry in ClinVar:

ClinVar aggregate classification (germline): Uncertain significance (1 of 4 stars; one submission).

Conditions:
Singleton-Merten syndrome 1 (SGMRT1). Also called: Widened medullary cavities of bone, aortic calcification, abnormal dentition, and muscular weakness; Syndrome of widened medullary cavities of the metacarpals and phalanges, aortic calcification and abnormal dentition. Identifiers: Orphanet 85191, MedGen C4225427, MONDO:0024535, OMIM 182250.
Aicardi-Goutieres syndrome 7 (AGS7). Identifiers: Orphanet 51, MedGen C3888244, MONDO:0014367, OMIM 615846.

Allele frequency attached by ClinVar (database versions not stated): TOPMed below 0.00001.
gnomAD v4.1: 1 of 1,614,138 alleles (0.000062%); highest among the groups gnomAD compares: African/African-American, 0.0013%; no homozygotes.

Submission:

Labcorp Genetics (formerly Invitae), Labcorp
Classification: Uncertain significance for Aicardi-Goutieres syndrome 7; Singleton-Merten syndrome 1. Last evaluated: 2022-03-20. Review status: criteria provided, single submitter. Criteria: Invitae Variant Classification Sherloc (09022015). Collection method: clinical testing. Allele origin: germline.
Comment: This variant has not been reported in the literature in individuals affected with IFIH1-related conditions. This variant is not present in population databases (gnomAD no frequency). This sequence change replaces valine, which is neutral and non-polar, with methionine, which is neutral and non-polar, at codon 22 of the IFIH1 protein (p.Val22Met). Algorithms developed to predict the effect of missense changes on protein structure and function output the following: SIFT: "Tolerated"; PolyPhen-2: "Benign"; Align-GVGD: "Class C0". The methionine amino acid residue is found in multiple mammalian species, which suggests that this missense change does not adversely affect protein function. In summary, the available evidence is currently insufficient to determine the role of this variant in disease. Therefore, it has been classified as a Variant of Uncertain Significance.

NM_022168.4(IFIH1):c.64G>A (p.Val22Met)

Gene: IFIH1 (interferon induced with helicase C domain 1; minus strand). Cytogenetic location: 2q24.2.
Variant type: single nucleotide variant.
Coding change: c.64G>A on transcript NM_022168.4 (MANE Select); coding-DNA position 64, G replaced by A.
Protein change: p.Val22Met; replaces valine 22 with methionine.
Molecular consequence: missense variant.
Genome position (GRCh38, 1-based): chr2:162,318,244, C>T on the plus strand (G>A on the coding strand, the complement: IFIH1 is on the minus strand). VCF-style: chr2-162318244-C-T. GRCh37 (hg19) VCF-style: chr2-163174754-C-T.
Other names: short protein forms V22M.
Identifiers: ClinVar variation 2114814 (VCV002114814.4), dbSNP rs1683551693, ClinGen allele CA349014669.